The following is an entry in ClinVar:

ClinVar aggregate classification (germline): Uncertain significance (1 of 4 stars; one submission).

Conditions:
Dyskeratosis congenita. Identifiers: Orphanet 1775, MedGen C0265965, MONDO:0015780.

Submission:

Ambry Genetics
Classification: Uncertain significance for Dyskeratosis congenita. Last evaluated: 2025-08-29. Review status: criteria provided, single submitter. Criteria: Ambry Variant Classification Scheme 2023. Collection method: clinical testing. Allele origin: germline.
Comment: The p.L472P variant (also known as c.1415T>C), located in coding exon 2 of the TERT gene, results from a T to C substitution at nucleotide position 1415. The leucine at codon 472 is replaced by proline, an amino acid with similar properties. This amino acid position is conserved. In addition, this alteration is predicted to be deleterious by in silico analysis. Based on the available evidence, the clinical significance of this variant remains unclear.

NM_198253.3(TERT):c.1415T>C (p.Leu472Pro)

Gene: TERT (telomerase reverse transcriptase; minus strand). Cytogenetic location: 5p15.33.
Variant type: single nucleotide variant.
Coding change: c.1415T>C on transcript NM_198253.3 (MANE Select); coding-DNA position 1415, T replaced by C.
Protein change: p.Leu472Pro; replaces leucine 472 with proline.
Molecular consequence: missense variant. On other transcripts: non-coding transcript variant (2).
Genome position (GRCh38, 1-based): chr5:1,293,471, A>G on the plus strand (T>C on the coding strand, the complement: TERT is on the minus strand). VCF-style: chr5-1293471-A-G. GRCh37 (hg19) VCF-style: chr5-1293586-A-G.
Other names: c.1415T>C, p.Leu472Pro (NM_001193376.3); short protein forms L472P.
Identifiers: ClinVar variation 4182817 (VCV004182817.1).